The following is an entry in ClinVar:

ClinVar aggregate classification (germline): Pathogenic (1 of 4 stars; one submission).

Conditions:
Neurofibromatosis, type 2 (SWNV). Also called: NF2-Related Schwannomatosis; BILATERAL ACOUSTIC NEUROFIBROMATOSIS; SCHWANNOMATOSIS, VESTIBULAR. Identifiers: Orphanet 637, MedGen C0027832, MONDO:0007039, OMIM 101000. Disease mechanism: loss of function.

Submission:

Foundation for Research in Genetics and Endocrinology, FRIGE's Institute of Human Genetics
Classification: Pathogenic for Neurofibromatosis, type 2. Last evaluated: 2023-08-02. Review status: criteria provided, single submitter. Criteria: ACMG Guidelines, 2015. Collection method: clinical testing. Allele origin: germline. Inheritance: Autosomal dominant inheritance. Affected: yes. Observed: 1 heterozygote.
Comment: A heterozygous variant in intron 6 of the NF2 gene was detected. The observed variant c.600-14C>A has not been reported in the 1000 genomes and gnomAD and Topmad databases. The in silico prediction of the variant is damaging by MaxEntScan. The reference codon is conserved across species. In summary, the variant meets our criteria to be classified as pathogenic.

NM_000268.4(NF2):c.600-14C>A

Gene: NF2 (NF2, moesin-ezrin-radixin like (MERLIN) tumor suppressor; plus strand). Cytogenetic location: 22q12.2.
Variant type: single nucleotide variant.
Coding change: c.600-14C>A on transcript NM_000268.4 (MANE Select); 14 bases into the intron before coding-DNA position 600, C replaced by A.
Molecular consequence: intron variant.
Genome position (GRCh38, 1-based): chr22:29,658,175, C>A. VCF-style: chr22-29658175-C-A. GRCh37 (hg19) VCF-style: chr22-30054164-C-A.
Other names: c.600-14C>A (NM_016418.5, NM_181832.3, NM_001407060.1 and 4 more transcripts); c.486-14C>A (NM_001407056.1, NM_001407053.1); c.369-14C>A (NM_001407067.1); c.66-14C>A (NM_001407065.1); c.447+15890C>A (NM_181833.3); c.477-14C>A (NM_001407058.1, NM_181829.3, NM_001407054.1 and 1 more transcripts); c.474-14C>A (NM_181828.3, NM_001407055.1); c.351-14C>A (NM_001407063.1, NM_181830.3, NM_001407064.1 and 1 more transcripts).
Identifiers: ClinVar variation 3336699 (VCV003336699.2).